The following is an entry in ClinVar:

ClinVar aggregate classification (germline): Uncertain significance (1 of 4 stars; one submission).

Conditions:
Alpha thalassemia-X-linked intellectual disability syndrome (ATRX). Also called: ALPHA-THALASSEMIA/MENTAL RETARDATION SYNDROME, X-LINKED; ATR, NONDELETION TYPE; ATR-X syndrome; Alpha thalassemia mental retardation syndrome, nondeletion type, X-linked; XLMR hypotonic face syndrome; X-linked alpha-thalassemia-mental retardation syndrome. Identifiers: Orphanet 847, MedGen C1845055, MONDO:0010519, OMIM 301040.

Submission:

Labcorp Genetics (formerly Invitae), Labcorp
Classification: Uncertain significance for Alpha thalassemia-X-linked intellectual disability syndrome. Last evaluated: 2023-12-13. Review status: criteria provided, single submitter. Criteria: Invitae Variant Classification Sherloc (09022015). Collection method: clinical testing. Allele origin: germline.
Comment: This sequence change replaces serine, which is neutral and polar, with cysteine, which is neutral and slightly polar, at codon 1204 of the ATRX protein (p.Ser1204Cys). This variant is not present in population databases (gnomAD no frequency). This variant has not been reported in the literature in individuals affected with ATRX-related conditions. ClinVar contains an entry for this variant (Variation ID: 1959557). Advanced modeling of protein sequence and biophysical properties (such as structural, functional, and spatial information, amino acid conservation, physicochemical variation, residue mobility, and thermodynamic stability) performed at Invitae indicates that this missense variant is not expected to disrupt ATRX protein function with a negative predictive value of 95%. In summary, the available evidence is currently insufficient to determine the role of this variant in disease. Therefore, it has been classified as a Variant of Uncertain Significance.

NM_000489.6(ATRX):c.3611C>G (p.Ser1204Cys)

Gene: ATRX (ATRX chromatin remodeler; minus strand). Cytogenetic location: Xq21.1.
Variant type: single nucleotide variant.
Coding change: c.3611C>G on transcript NM_000489.6 (MANE Select); coding-DNA position 3611, C replaced by G.
Protein change: p.Ser1204Cys; replaces serine 1204 with cysteine.
Molecular consequence: missense variant.
Genome position (GRCh38, 1-based): chrX:77,681,645, G>C on the plus strand (C>G on the coding strand, the complement: ATRX is on the minus strand). VCF-style: chrX-77681645-G-C. GRCh37 (hg19) VCF-style: chrX-76937137-G-C.
Other names: c.3497C>G, p.Ser1166Cys (NM_138270.5); short protein forms S1166C, S1204C.
Identifiers: ClinVar variation 1959557 (VCV001959557.5), dbSNP rs2148568823, ClinGen allele CA413706074.